The following is an entry in ClinVar:

NM_152419.3(HGSNAT):c.1571_1572insGACAAGGG (p.Ser525fs)

Gene: HGSNAT (heparan-alpha-glucosaminide N-acetyltransferase; plus strand). Cytogenetic location: 8p11.21.
Variant type: Insertion.
Coding change: c.1571_1572insGACAAGGG on transcript NM_152419.3 (MANE Select); coding-DNA positions 1571 to 1572, GACAAGGG inserted.
Protein change: p.Ser525fs; shifts the reading frame from serine 525.
Molecular consequence: frameshift variant.
Genome position: GRCh38 VCF-style: chr8-43197700-T-TGACAAGGG. GRCh37 (hg19) VCF-style: chr8-43052843-T-TGACAAGGG.
Other names: c.1658_1659insGACAAGGG, p.Ser554fs (NM_001363227.2); c.1379_1380insGACAAGGG, p.Ser461fs (NM_001363228.2); c.707_708insGACAAGGG, p.Ser237fs (NM_001363229.2); short protein forms S237fs, S461fs, S525fs, S554fs.
Identifiers: ClinVar variation 5011284 (VCV005011284.1).

ClinVar aggregate classification (germline): Pathogenic (1 of 4 stars; one submission).

Conditions:
Mucopolysaccharidosis, MPS-III-C (MPS3C). Also called: SANFILIPPO SYNDROME C; MPS III C; MUCOPOLYSACCHARIDOSIS, TYPE IIIC; Mucopolysaccharidosis type IIIC (Sanfilippo C); mucopolysaccharidosis type 3C; MPS IIIC (Sanfilippo Syndrome Type C). Identifiers: Orphanet 581, Orphanet 79271, MedGen C0086649, MONDO:0009657, OMIM 252930.

Submission:

Myriad Genetics, Inc.
Classification: Pathogenic for Mucopolysaccharidosis, MPS-III-C. Last evaluated: 2023-08-09. Review status: criteria provided, single submitter. Criteria: Myriad Autosomal Dominant, Autosomal Recessive and X-Linked Classification Criteria (2023). Collection method: clinical testing. Allele origin: unknown.
Comment: NM_152419.2(HGSNAT):c.1571_1572ins8(S525Tfs*12) is expected to be pathogenic in the context of mucopolysaccharidosis type IIIC. This variant is predicted to lead to an abnormal or absent protein product due to the creation of a premature termination codon in HGSNAT, a gene where loss-of-function variants are known to be pathogenic. Please note: this variant was assessed in the context of healthy population screening.